The following is an entry in ClinVar:

NM_001145860.2(POP1):c.2146G>A (p.Glu716Lys)

Gene: POP1 (POP1 ribonuclease P/MRP subunit; plus strand). Cytogenetic location: 8q22.2.
Variant type: single nucleotide variant.
Coding change: c.2146G>A on transcript NM_001145860.2 (MANE Select); coding-DNA position 2146, G replaced by A.
Protein change: p.Glu716Lys; replaces glutamic acid 716 with lysine.
Molecular consequence: missense variant.
Genome position (GRCh38, 1-based): chr8:98,156,138, G>A. VCF-style: chr8-98156138-G-A. GRCh37 (hg19) VCF-style: chr8-99168366-G-A.
Other names: c.2146G>A, p.Glu716Lys (NM_001145861.2, NM_015029.3); short protein forms E716K.
Identifiers: ClinVar variation 2040033 (VCV002040033.4), dbSNP rs977193923, ClinGen allele CA371773850.

ClinVar aggregate classification (germline): Uncertain significance (1 of 4 stars; one submission).

Submission:

Labcorp Genetics (formerly Invitae), Labcorp
Classification: Uncertain significance. Last evaluated: 2022-06-14. Review status: criteria provided, single submitter. Criteria: Invitae Variant Classification Sherloc (09022015). Collection method: clinical testing. Allele origin: germline.
Comment: In summary, the available evidence is currently insufficient to determine the role of this variant in disease. Therefore, it has been classified as a Variant of Uncertain Significance. Algorithms developed to predict the effect of missense changes on protein structure and function are either unavailable or do not agree on the potential impact of this missense change (SIFT: "Tolerated"; PolyPhen-2: "Possibly Damaging"; Align-GVGD: "Class C0"). This variant has not been reported in the literature in individuals affected with POP1-related conditions. This variant is not present in population databases (gnomAD no frequency). This sequence change replaces glutamic acid, which is acidic and polar, with lysine, which is basic and polar, at codon 716 of the POP1 protein (p.Glu716Lys).